The following is an entry in ClinVar:

NM_024596.5(MCPH1):c.513= (p.Arg171=)

Gene: MCPH1 (microcephalin 1; plus strand). Cytogenetic location: 8p23.1.
Variant type: single nucleotide variant.
Coding change: c.513= on transcript NM_024596.5 (MANE Select); coding-DNA position 513, no change from the reference sequence.
Protein change: p.Arg171=; no amino-acid change (arginine 171 retained).
Molecular consequence: no sequence alteration. On other transcripts: non-coding transcript variant (1), intron variant (1).
Genome position: GRCh38 VCF-style: chr8-6439029-G-G. GRCh37 (hg19) VCF-style: chr8-6296550-G-G.
Other names: p.S171R:AGT>AGG; c.513=, p.Arg171= (NM_001172574.2, NM_001322042.2, NM_001363979.1 and 1 more transcripts); c.507=, p.Arg169= (NM_001322043.2); c.411=, p.Arg137= (NM_001322045.2); c.436+2867= (NM_001172575.2).
Identifiers: ClinVar variation 138184 (VCV000138184.16), dbSNP rs2442513.
Genomic context (GRCh38, chr8:6,439,029, plus strand): 5'-TCTCTTATTTGAATCTAATGGTTCATTAATATATACTCCCACAATTGAAATTAATAGTAG[G=]CACCACAGCGCAATGGAGAAGAGATTACAAGAGATGAAGGAGAAAAGGGAAAATCTTTCC-3'
Protein context (NP_078872.3, residues 161-181): IYTPTIEINS[Arg171=]HHSAMEKRLQ

ClinVar aggregate classification (germline): Benign. Review status: criteria provided, multiple submitters, no conflicts (2 of 4 stars). 4 submissions from 4 submitters: Benign (4). Last evaluated 2026-02-04.

Allele frequency attached by ClinVar (database versions not stated): gnomAD 0.07414 and 0.07742; ESP Exome Variant Server 0.07491; TOPMed 0.08192; 1000 Genomes Project 0.08307; 1000 Genomes Project 30x 0.08526.

Submissions (4):

Labcorp Genetics (formerly Invitae), Labcorp
Classification: Benign. Last evaluated: 2026-02-04. Review status: criteria provided, single submitter. Criteria: Invitae Variant Classification Sherloc (09022015). Collection method: clinical testing. Allele origin: germline.

Athena Diagnostics
Classification: Benign. Last evaluated: 2017-11-20. Review status: criteria provided, single submitter. Criteria: Athena Diagnostics Criteria. Collection method: clinical testing. Allele origin: germline.

GeneDx
Classification: Benign. Last evaluated: 2013-12-18. Review status: criteria provided, single submitter. Criteria: GeneDx Variant Classification (06012015). Collection method: clinical testing. Allele origin: germline. Affected: yes.
Comment: This variant is considered likely benign or benign based on one or more of the following criteria: it is a conservative change, it occurs at a poorly conserved position in the protein, it is predicted to be benign by multiple in silico algorithms, and/or has population frequency not consistent with disease.

Genetic Services Laboratory, University of Chicago
Classification: Benign. Last evaluated: 2013-02-08. Review status: criteria provided, single submitter. Criteria: ACMG Guidelines, 2007. Collection method: clinical testing. Allele origin: germline.